The following is an entry in ClinVar:

ClinVar aggregate classification (germline): Uncertain significance (3 of 4 stars; one submission).

Conditions:
Mucopolysaccharidosis type 1. Also called: IDUA deficiency; MPS I; Mucopolysaccharidosis Type I. Identifiers: Orphanet 579, MedGen C0023786, MONDO:0001586.

Submission:

ClinGen Lysosomal Storage Disorder Variant Curation Expert Panel
Classification: Uncertain significance for Mucopolysaccharidosis type 1. Last evaluated: 2026-07-06. Review status: reviewed by expert panel. Criteria: ClinGen LSD ACMG Specifications IDUA V1.2.0. Collection method: curation. Allele origin: germline. Inheritance: Autosomal recessive inheritance.
Comment: The NM_000203.5:c.1189+5G>T variant in IDUA occurs within the canonical splice donor site of intron 8. At least 1 patient with this variant had documented IDUA deficiency within the affected range in leukocytes, urinary GAGs expressed as specific GAG elevation above normal range, and clinical features specific to MPS I including hepatosplenomegaly and arthropathy (PP4_Moderate). This variant is absent in gnomAD v4.1.0. (PM2_Supporting). This variant has been detected in at least 1 individual with MPS I. The allelic data for this patient will be used to support the classification of c.1-2C>G and is not included here in order to avoid circular logic; therefore, PM3 is not met. The computational splicing predictor SpliceAI gives a score of 0.74 for donor loss, predicting that the variant disrupts the donor splice site of intron 8 of IDUA. The computational splicing predictor SpliceAI also gives a score of 0.46 for donor gain (PP3). In summary, this variant meets the criteria to be classified as a variant of uncertain significance (VUS) for MPS I based on the ACMG/AMP criteria applied, as specified by the ClinGen Lysosomal Diseases Variant Curation Expert Panel (Specifications Version 1.2.0): PP4_moderate; PM2_supporting; PP3 (Classification approved by the ClinGen Lysosomal Diseases Variant Curation Expert Panel on July 6, 2026)

NM_000203.5(IDUA):c.1189+5G>T

Gene: IDUA (alpha-L-iduronidase; plus strand). Cytogenetic location: 4p16.3.
Variant type: single nucleotide variant.
Coding change: c.1189+5G>T on transcript NM_000203.5 (MANE Select); 5 bases into the intron after coding-DNA position 1189, G replaced by T.
Molecular consequence: intron variant.
Genome position (GRCh38, 1-based): chr4:1,002,490, G>T. VCF-style: chr4-1002490-G-T. GRCh37 (hg19) VCF-style: chr4-996278-G-T.
Other names: NM_001363576.1:c.793+5G>T; c.793+5G>T (NM_001363576.1).
Identifiers: ClinVar variation 5016534 (VCV005016534.1).